The following is an entry in ClinVar:

NC_000023.10:g.(?_30671539)_(30671733_30683627)dup

Gene: GK (glycerol kinase; plus strand). Cytogenetic location: Xp21.2.
Variant type: Duplication.
Identifiers: ClinVar variation 3907155 (VCV003907155.1).

ClinVar aggregate classification (germline): Uncertain significance (1 of 4 stars; one submission).

Submission:

Women's Health and Genetics/Laboratory Corporation of America, LabCorp
Classification: Uncertain significance. Last evaluated: 2025-06-13. Review status: criteria provided, single submitter. Criteria: LabCorp Variant Classification Summary - May 2015. Collection method: clinical testing. Allele origin: germline.
Comment: Variant summary: The variant involves the duplication of exon 1 in the GK gene. The exact breakpoint at the 5' end of this variant is unknown, therefore this duplication may extend upstream of the annotated region of this gene. It is predicted to duplicate a segment including the initiation codon, therefore its impact on the encoded protein is unknown. A presumed nomenclature of c.(?_-116)_(78+1_79-1)dup has been designated for the purposes of this classification. The variant was absent in 16118 control chromosomes (gnomAD). The available data on variant occurrences in the general population are insufficient to allow any conclusion about variant significance. To our knowledge, no occurrence of c.(?_-116)_(78+1_79-1)dup in individuals affected with Inborn Glycerol Kinase Deficiency and no experimental evidence demonstrating its impact on protein function have been reported. No submitters have cited clinical-significance assessments for this variant to ClinVar. Based on the evidence outlined above, the variant was classified as uncertain significance.